The following is an entry in ClinVar:

NM_017662.5(TRPM6):c.2608G>A (p.Val870Met)

Gene: TRPM6 (transient receptor potential cation channel subfamily M member 6; minus strand). Cytogenetic location: 9q21.13.
Variant type: single nucleotide variant.
Coding change: c.2608G>A on transcript NM_017662.5 (MANE Select); coding-DNA position 2608, G replaced by A.
Protein change: p.Val870Met; replaces valine 870 with methionine.
Molecular consequence: missense variant.
Genome position (GRCh38, 1-based): chr9:74,788,673, C>T on the plus strand (G>A on the coding strand, the complement: TRPM6 is on the minus strand). VCF-style: chr9-74788673-C-T. GRCh37 (hg19) VCF-style: chr9-77403589-C-T.
Other names: c.2593G>A, p.Val865Met (NM_001177310.2, NM_001177311.2); c.2608G>A (NM_017662.4); short protein forms V870M, V865M.
Identifiers: ClinVar variation 1412991 (VCV001412991.6), dbSNP rs180963446, ClinGen allele CA5084510.

ClinVar aggregate classification (germline): Uncertain significance. Review status: criteria provided, multiple submitters, no conflicts (2 of 4 stars). 3 submissions from 3 submitters: Uncertain significance (3). Last evaluated 2025-08-12.

Conditions:
Inborn genetic diseases. Identifiers: MedGen C0950123, MeSH D030342.
Intestinal hypomagnesemia 1. Also called: HYPOMAGNESEMIA, INTESTINAL, WITH SECONDARY HYPOCALCEMIA; HYPOMAGNESEMIC TETANY. Identifiers: Orphanet 30924, MedGen C1865974, MONDO:0011176, OMIM 602014.

Allele frequency attached by ClinVar (database versions not stated): 1000 Genomes Project 0.00020; 1000 Genomes Project 30x 0.00031.

Submissions (3):

Ambry Genetics
Classification: Uncertain significance for Inborn genetic diseases. Last evaluated: 2025-08-12. Review status: criteria provided, single submitter. Criteria: Ambry Variant Classification Scheme 2023. Collection method: clinical testing. Allele origin: germline.

Fulgent Genetics
Classification: Uncertain significance for Intestinal hypomagnesemia 1. Last evaluated: 2024-04-03. Review status: criteria provided, single submitter. Criteria: ACMG Guidelines, 2015. Collection method: clinical testing. Allele origin: germline.

Labcorp Genetics (formerly Invitae), Labcorp
Classification: Uncertain significance. Last evaluated: 2022-08-23. Review status: criteria provided, single submitter. Criteria: Invitae Variant Classification Sherloc (09022015). Collection method: clinical testing. Allele origin: germline.
Comment: This sequence change replaces valine, which is neutral and non-polar, with methionine, which is neutral and non-polar, at codon 870 of the TRPM6 protein (p.Val870Met). This variant is present in population databases (rs180963446, gnomAD 0.01%). This variant has not been reported in the literature in individuals affected with TRPM6-related conditions. ClinVar contains an entry for this variant (Variation ID: 1412991). Algorithms developed to predict the effect of missense changes on protein structure and function output the following: SIFT: "Tolerated"; PolyPhen-2: "Benign"; Align-GVGD: "Class C0". The methionine amino acid residue is found in multiple mammalian species, which suggests that this missense change does not adversely affect protein function. In summary, the available evidence is currently insufficient to determine the role of this variant in disease. Therefore, it has been classified as a Variant of Uncertain Significance.